The following is an entry in ClinVar:

ClinVar aggregate classification (germline): Uncertain significance. Review status: criteria provided, multiple submitters, no conflicts (2 of 4 stars). 2 submissions from 2 submitters: Uncertain significance (2). Last evaluated 2026-08-06.

Conditions:
Monogenic short statue.
Baller-Gerold syndrome (BGS). Also called: CRANIOSYNOSTOSIS WITH RADIAL DEFECTS. Identifiers: Orphanet 1225, MedGen C0265308, MONDO:0009039, OMIM 218600.

Allele frequency attached by ClinVar (database versions not stated): gnomAD exomes below 0.00001.

Submissions (2):

NHS Central & South Genomic Laboratory Hub
Classification: Uncertain significance for Monogenic short statue. Last evaluated: 2026-08-06. Review status: criteria provided, single submitter. Criteria: ACMG Guidelines, 2015. Collection method: clinical testing. Allele origin: germline. Affected: yes.

Labcorp Genetics (formerly Invitae), Labcorp
Classification: Uncertain significance for Baller-Gerold syndrome. Last evaluated: 2023-06-09. Review status: criteria provided, single submitter. Criteria: Invitae Variant Classification Sherloc (09022015). Collection method: clinical testing. Allele origin: germline.
Comment: ClinVar contains an entry for this variant (Variation ID: 2075664). In summary, the available evidence is currently insufficient to determine the role of this variant in disease. Therefore, it has been classified as a Variant of Uncertain Significance. Advanced modeling of protein sequence and biophysical properties (such as structural, functional, and spatial information, amino acid conservation, physicochemical variation, residue mobility, and thermodynamic stability) performed at Invitae indicates that this missense variant is expected to disrupt RECQL4 protein function. This variant has not been reported in the literature in individuals affected with RECQL4-related conditions. This variant is not present in population databases (gnomAD no frequency). This sequence change replaces glycine, which is neutral and non-polar, with arginine, which is basic and polar, at codon 477 of the RECQL4 protein (p.Gly477Arg).

NM_004260.4(RECQL4):c.1429G>A (p.Gly477Arg)

Gene: RECQL4 (RecQ like helicase 4; minus strand). Cytogenetic location: 8q24.3.
Variant type: single nucleotide variant.
Coding change: c.1429G>A on transcript NM_004260.4 (MANE Select); coding-DNA position 1429, G replaced by A.
Protein change: p.Gly477Arg; replaces glycine 477 with arginine.
Molecular consequence: missense variant.
Genome position (GRCh38, 1-based): chr8:144,515,204, C>T on the plus strand (G>A on the coding strand, the complement: RECQL4 is on the minus strand). VCF-style: chr8-144515204-C-T. GRCh37 (hg19) VCF-style: chr8-145740588-C-T.
Other names: c.1333G>A, p.Gly445Arg (NM_001413017.1, NM_001413020.1); c.1429G>A, p.Gly477Arg (NM_001413018.1, NM_001413019.1, NM_001413033.1 and 2 more transcripts); c.358G>A, p.Gly120Arg (NM_001413021.1, NM_001413022.1, NM_001413023.1 and 8 more transcripts); c.1300G>A, p.Gly434Arg (NM_001413025.1); c.292G>A, p.Gly98Arg (NM_001413027.1, NM_001413030.1, NM_001413031.1 and 2 more transcripts); c.1078G>A, p.Gly360Arg (NM_001413029.1); c.-39G>A (NM_001413043.1); short protein forms G477R, G98R, G120R, G360R, G434R, G445R.
Identifiers: ClinVar variation 2075664 (VCV002075664.5), dbSNP rs2538059842, ClinGen allele CA372684880.